The following is an entry in ClinVar:

NM_012203.2(GRHPR):c.122C>T (p.Pro41Leu)

Gene: GRHPR (glyoxylate and hydroxypyruvate reductase; plus strand). Cytogenetic location: 9p13.2.
Variant type: single nucleotide variant.
Coding change: c.122C>T on transcript NM_012203.2 (MANE Select); coding-DNA position 122, C replaced by T.
Protein change: p.Pro41Leu; replaces proline 41 with leucine.
Molecular consequence: missense variant.
Genome position (GRCh38, 1-based): chr9:37,424,883, C>T. VCF-style: chr9-37424883-C-T. GRCh37 (hg19) VCF-style: chr9-37424880-C-T.
Other names: short protein forms P41L.
Identifiers: ClinVar variation 2198663 (VCV002198663.1), dbSNP rs763059780, ClinGen allele CA5058929.

ClinVar aggregate classification (germline): Uncertain significance (1 of 4 stars; one submission).

Allele frequency attached by ClinVar (database versions not stated): TOPMed below 0.00001; gnomAD exomes 0.00001; ExAC 0.00003.
gnomAD v4.1: 15 of 1,613,682 alleles (0.00093%); highest among the groups gnomAD compares: Non-Finnish European, 0.0012%; no homozygotes.

Submission:

Labcorp Genetics (formerly Invitae), Labcorp
Classification: Uncertain significance. Last evaluated: 2020-11-18. Review status: criteria provided, single submitter. Criteria: Invitae Variant Classification Sherloc (09022015). Collection method: clinical testing. Allele origin: germline.
Comment: This sequence change replaces proline with leucine at codon 41 of the GRHPR protein (p.Pro41Leu). The proline residue is highly conserved and there is a moderate physicochemical difference between proline and leucine. This variant is present in population databases (rs763059780, ExAC 0.006%). This variant has not been reported in the literature in individuals with GRHPR-related disease. Algorithms developed to predict the effect of missense changes on protein structure and function are either unavailable or do not agree on the potential impact of this missense change (SIFT: "Deleterious"; PolyPhen-2: "Probably Damaging"; Align-GVGD: "Class C15"). In summary, the available evidence is currently insufficient to determine the role of this variant in disease. Therefore, it has been classified as a Variant of Uncertain Significance.